The following is an entry in ClinVar:

NM_001042492.3(NF1):c.2639_2640dup (p.Met881Ter)

Gene: NF1 (neurofibromin 1; plus strand). Cytogenetic location: 17q11.2.
Variant type: Duplication.
Coding change: c.2639_2640dup on transcript NM_001042492.3 (MANE Select); coding-DNA positions 2639 to 2640, 2 bases duplicated (TG; older notation c.2639_2640dupTG).
Protein change: p.Met881Ter; replaces methionine 881 with a stop codon.
Molecular consequence: nonsense. On other transcripts: frameshift variant (1).
Genome position (GRCh38, 1-based): chr17:31,229,254-31,229,255, TG duplicated; duplicating any 2 consecutive bases within chr17:31,229,253-31,229,255 gives the same sequence; the c. name uses the placement nearest the transcript's 3' end. VCF-style (leftmost placement, unchanged base first): chr17-31229252-A-AGT. GRCh37 (hg19) VCF-style: chr17-29556270-A-AGT.
Other names: c.2639_2640dup, p.Met881Terfs (NM_000267.4); short protein forms M881*.
Identifiers: ClinVar variation 1379579 (VCV001379579.6), dbSNP rs2151429322, ClinGen allele CA2573153307.

ClinVar aggregate classification (germline): Pathogenic (1 of 4 stars; one submission).

Conditions:
Neurofibromatosis, type 1 (NF1). Also called: VON RECKLINGHAUSEN DISEASE; Peripheral type neurofibromatosis; Neurofibromatosis, type I; NEUROFIBROMATOSIS, TYPE I, SOMATIC. Identifiers: Orphanet 636, MedGen C0027831, MONDO:0018975, OMIM 162200. Disease mechanism: loss of function.

Submission:

Labcorp Genetics (formerly Invitae), Labcorp
Classification: Pathogenic for Neurofibromatosis, type 1. Last evaluated: 2021-02-07. Review status: criteria provided, single submitter. Criteria: Invitae Variant Classification Sherloc (09022015). Collection method: clinical testing. Allele origin: germline.
Comment: This variant is not present in population databases (ExAC no frequency). For these reasons, this variant has been classified as Pathogenic. This variant has not been reported in the literature in individuals with NF1-related conditions. This sequence change creates a premature translational stop signal (p.Met881*) in the NF1 gene. It is expected to result in an absent or disrupted protein product. Loss-of-function variants in NF1 are known to be pathogenic (PMID: 10712197, 23913538).

Literature cited by the submitters: PubMed 10712197; PubMed 23913538.